The following is an entry in ClinVar:

ClinVar aggregate classification (germline): Uncertain significance. Review status: criteria provided, multiple submitters, no conflicts (2 of 4 stars). 2 submissions from 2 submitters: Uncertain significance (2). Last evaluated 2025-08-01.

Conditions:
Hereditary cancer-predisposing syndrome. Also called: Neoplastic Syndromes, Hereditary; Hereditary Cancer Syndrome; Hereditary neoplastic syndrome; Tumor predisposition. Identifiers: Orphanet 140162, MedGen C0027672, MeSH D009386, MONDO:0015356.

gnomAD v4.1: 1 of 1,614,196 alleles (0.000062%); highest among the groups gnomAD compares: South Asian, 0.0011%; no homozygotes.

Submissions (2):

Ambry Genetics
Classification: Uncertain significance for Hereditary cancer-predisposing syndrome. Last evaluated: 2025-08-01. Review status: criteria provided, single submitter. Criteria: Ambry Variant Classification Scheme 2023. Collection method: clinical testing. Allele origin: germline.
Comment: The p.T172A variant (also known as c.514A>G), located in coding exon 3 of the XRCC2 gene, results from an A to G substitution at nucleotide position 514. The threonine at codon 172 is replaced by alanine, an amino acid with similar properties. This amino acid position is conserved. In addition, this alteration is predicted to be tolerated by in silico analysis. Based on the available evidence, the clinical significance of this variant remains unclear.

Labcorp Genetics (formerly Invitae), Labcorp
Classification: Uncertain significance. Last evaluated: 2024-04-30. Review status: criteria provided, single submitter. Criteria: Invitae Variant Classification Sherloc (09022015). Collection method: clinical testing. Allele origin: germline.
Comment: This sequence change replaces threonine, which is neutral and polar, with alanine, which is neutral and non-polar, at codon 172 of the XRCC2 protein (p.Thr172Ala). This variant is not present in population databases (gnomAD no frequency). This variant has not been reported in the literature in individuals affected with XRCC2-related conditions. ClinVar contains an entry for this variant (Variation ID: 1420756). Advanced modeling of protein sequence and biophysical properties (such as structural, functional, and spatial information, amino acid conservation, physicochemical variation, residue mobility, and thermodynamic stability) performed at Invitae indicates that this missense variant is not expected to disrupt XRCC2 protein function with a negative predictive value of 80%. In summary, the available evidence is currently insufficient to determine the role of this variant in disease. Therefore, it has been classified as a Variant of Uncertain Significance.

NM_005431.2(XRCC2):c.514A>G (p.Thr172Ala)

Gene: XRCC2 (X-ray repair cross complementing 2; minus strand). Cytogenetic location: 7q36.1.
Variant type: single nucleotide variant.
Coding change: c.514A>G on transcript NM_005431.2 (MANE Select); coding-DNA position 514, A replaced by G.
Protein change: p.Thr172Ala; replaces threonine 172 with alanine.
Molecular consequence: missense variant.
Genome position (GRCh38, 1-based): chr7:152,648,971, T>C on the plus strand (A>G on the coding strand, the complement: XRCC2 is on the minus strand). VCF-style: chr7-152648971-T-C. GRCh37 (hg19) VCF-style: chr7-152346056-T-C.
Other names: c.514A>G (NM_005431.1); short protein forms T172A.
Identifiers: ClinVar variation 1420756 (VCV001420756.9), dbSNP rs2116987648, ClinGen allele CA370198529.